The following is an entry in ClinVar:

ClinVar aggregate classification (germline): Uncertain significance (1 of 4 stars; one submission).

Allele frequency attached by ClinVar (database versions not stated): TOPMed below 0.00001; gnomAD 0.00001; gnomAD exomes 0.00001.
gnomAD v4.1: 10 of 1,613,658 alleles (0.00062%); highest among the groups gnomAD compares: Non-Finnish European, 0.00076%; no homozygotes.

Submission:

GeneDx
Classification: Uncertain significance. Last evaluated: 2020-10-21. Review status: criteria provided, single submitter. Criteria: GeneDx Variant Classification Process June 2021. Collection method: clinical testing. Allele origin: germline. Affected: yes.
Comment: Not observed in large population cohorts (Lek et al., 2016); In silico analysis supports that this missense variant does not alter protein structure/function; Has not been previously published as pathogenic or benign to our knowledge

NM_152296.5(ATP1A3):c.1438C>G (p.Leu480Val)

Gene: ATP1A3 (ATPase Na+/K+ transporting subunit alpha 3; minus strand). Cytogenetic location: 19q13.2.
Variant type: single nucleotide variant.
Coding change: c.1438C>G on transcript NM_152296.5 (MANE Select); coding-DNA position 1438, C replaced by G.
Protein change: p.Leu480Val; replaces leucine 480 with valine.
Molecular consequence: missense variant.
Genome position (GRCh38, 1-based): chr19:41,978,798, G>C on the plus strand (C>G on the coding strand, the complement: ATP1A3 is on the minus strand). VCF-style: chr19-41978798-G-C. GRCh37 (hg19) VCF-style: chr19-42482950-G-C.
Other names: c.1471C>G, p.Leu491Val (NM_001256213.2); c.1477C>G, p.Leu493Val (NM_001256214.2); short protein forms L480V, L491V, L493V.
Identifiers: ClinVar variation 1313492 (VCV001313492.2), dbSNP rs1555862370, ClinGen allele CA406047612.